The following is an entry in ClinVar:

NM_199420.4(POLQ):c.5155T>C (p.Ser1719Pro)

Gene: POLQ (DNA polymerase theta; minus strand). Cytogenetic location: 3q13.33.
Variant type: single nucleotide variant.
Coding change: c.5155T>C on transcript NM_199420.4 (MANE Select); coding-DNA position 5155, T replaced by C.
Protein change: p.Ser1719Pro; replaces serine 1719 with proline.
Molecular consequence: missense variant.
Genome position (GRCh38, 1-based): chr3:121,487,776, A>G on the plus strand (T>C on the coding strand, the complement: POLQ is on the minus strand). VCF-style: chr3-121487776-A-G. GRCh37 (hg19) VCF-style: chr3-121206623-A-G.
Other names: short protein forms S1719P.
Identifiers: ClinVar variation 1745690 (VCV001745690.2), dbSNP rs765081088, ClinGen allele CA2562782.
Genomic context (GRCh38, chr3:121,487,776, plus strand): 5'-GTGTAGGAGGAATGAGACCATTATCATCAACTATATTACTTTCTTTACGAGGTAAGAGGG[A>G]TGAGGTTTCATCATGATTGGCATTGTTTTCTAGCATCTCAATCTTGCTTTTTACTTCATT-3'
Protein context (NP_955452.3, residues 1709-1729): ENNANHDETS[Ser1719Pro]LLPRKESNIV

ClinVar aggregate classification (germline): Uncertain significance (1 of 4 stars; one submission).

Allele frequency attached by ClinVar (database versions not stated): gnomAD 0.00002; gnomAD exomes 0.00006; ExAC 0.00009.
gnomAD v4.1: 87 of 1,611,454 alleles (0.0054%); highest among the groups gnomAD compares: South Asian, 0.091%; 1 homozygote.

Submission:

Ambry Genetics
Classification: Uncertain significance. Last evaluated: 2023-11-06. Review status: criteria provided, single submitter. Criteria: Ambry Variant Classification Scheme 2023. Collection method: clinical testing. Allele origin: germline.
Comment: The p.S1719P variant (also known as c.5155T>C), located in coding exon 16 of the POLQ gene, results from a T to C substitution at nucleotide position 5155. The serine at codon 1719 is replaced by proline, an amino acid with similar properties. This amino acid position is conserved. In addition, this alteration is predicted to be tolerated by in silico analysis. Since supporting evidence is limited at this time, the clinical significance of this alteration remains unclear.